The following is an entry in ClinVar:

NM_004393.6(DAG1):c.2600C>T (p.Pro867Leu)

Gene: DAG1 (dystroglycan 1; plus strand). Cytogenetic location: 3p21.31.
Variant type: single nucleotide variant.
Coding change: c.2600C>T on transcript NM_004393.6 (MANE Select); coding-DNA position 2600, C replaced by T.
Protein change: p.Pro867Leu; replaces proline 867 with leucine.
Molecular consequence: missense variant.
Genome position (GRCh38, 1-based): chr3:49,533,111, C>T. VCF-style: chr3-49533111-C-T. GRCh37 (hg19) VCF-style: chr3-49570544-C-T.
Other names: c.2600C>T, p.Pro867Leu (NM_001165928.4, NM_001177634.3, NM_001177635.3 and 9 more transcripts); short protein forms P867L.
Identifiers: ClinVar variation 835180 (VCV000835180.7), dbSNP rs199506692, ClinGen allele CA2399295.

ClinVar aggregate classification (germline): Uncertain significance. Review status: criteria provided, multiple submitters, no conflicts (2 of 4 stars). 3 submissions from 3 submitters: Uncertain significance (3). Last evaluated 2024-12-31.

Conditions:
Muscular dystrophy-dystroglycanopathy (congenital with brain and eye anomalies), type A9. Also called: Muscular dystrophy-dystroglycanopathy (congenital with brain and eye anomalies), type a, 9; WALKER-WARBURG SYNDROME OR MUSCLE-EYE BRAIN DISEASE, DAG1-RELATED. Identifiers: Orphanet 370997, Orphanet 899, MedGen C4225291, MONDO:0014683, OMIM 616538.
Autosomal recessive limb-girdle muscular dystrophy type 2P. Also called: MUSCULAR DYSTROPHY-DYSTROGLYCANOPATHY, LIMB-GIRDLE, DAG1-RELATED; MUSCULAR DYSTROPHY, LIMB-GIRDLE, TYPE 2P; Limb-Girdle Muscular Dystrophy Type 9C. Identifiers: Orphanet 280333, MedGen C4511963, MONDO:0013440, OMIM 613818.

Allele frequency attached by ClinVar (database versions not stated): TOPMed 0.00001; gnomAD 0.00003 and 0.00004; 1000 Genomes Project 30x 0.00016; 1000 Genomes Project 0.00020.

Submissions (3):

Revvity Omics, Revvity
Classification: Uncertain significance. Last evaluated: 2024-12-31. Review status: criteria provided, single submitter. Criteria: ACMG Guidelines, 2015. Collection method: clinical testing. Allele origin: germline.

Blueprint Genetics
Classification: Uncertain significance. Last evaluated: 2024-06-13. Review status: criteria provided, single submitter. Criteria: ACMG Guidelines, 2015. Collection method: clinical testing. Allele origin: germline.

Labcorp Genetics (formerly Invitae), Labcorp
Classification: Uncertain significance for Autosomal recessive limb-girdle muscular dystrophy type 2P; Muscular dystrophy-dystroglycanopathy (congenital with brain and eye anomalies), type A9. Last evaluated: 2022-07-23. Review status: criteria provided, single submitter. Criteria: Invitae Variant Classification Sherloc (09022015). Collection method: clinical testing. Allele origin: germline.
Comment: In summary, the available evidence is currently insufficient to determine the role of this variant in disease. Therefore, it has been classified as a Variant of Uncertain Significance. Algorithms developed to predict the effect of missense changes on protein structure and function are either unavailable or do not agree on the potential impact of this missense change (SIFT: "Deleterious"; PolyPhen-2: "Probably Damaging"; Align-GVGD: "Class C0"). ClinVar contains an entry for this variant (Variation ID: 835180). This variant has not been reported in the literature in individuals affected with DAG1-related conditions. This variant is present in population databases (rs199506692, gnomAD 0.09%). This sequence change replaces proline, which is neutral and non-polar, with leucine, which is neutral and non-polar, at codon 867 of the DAG1 protein (p.Pro867Leu).